The following is an entry in ClinVar:

ClinVar aggregate classification (germline): Pathogenic (1 of 4 stars; one submission).

Conditions:
Hereditary spastic paraplegia 7 (SPG7). Also called: Autosomal recessive spastic paraplegia type 7; SPASTIC PARAPLEGIA 7, AUTOSOMAL RECESSIVE, WITH OR WITHOUT CEREBELLAR ATAXIA; Spastic paraplegia 7; Hereditary spastic paraplegia Paraplegin type; SPG7-related neurologic disorder. Identifiers: Orphanet 99013, MedGen C1846564, MONDO:0011803, OMIM 607259.

Submission:

Labcorp Genetics (formerly Invitae), Labcorp
Classification: Pathogenic for Hereditary spastic paraplegia 7. Last evaluated: 2023-04-25. Review status: criteria provided, single submitter. Criteria: Invitae Variant Classification Sherloc (09022015). Collection method: clinical testing. Allele origin: unknown.
Comment: This variant is a gross deletion of the genomic region encompassing exon(s) 1-2 of the SPG7 gene, which includes the initiator codon. This deletion extends beyond the assayed region for this gene and therefore may encompass additional genes. It is expected to result in an absent or disrupted protein product. Loss-of-function variants in SPG7 are known to be pathogenic (PMID: 21623769, 22964162). For these reasons, this variant has been classified as Pathogenic. This variant has not been reported in the literature in individuals affected with SPG7-related conditions.

Literature cited by the submitters: PubMed 21623769; PubMed 22964162.

NC_000016.9:g.(?_89574826)_(89577020_?)del

Gene: SPG7 (SPG7 matrix AAA peptidase subunit, paraplegin; plus strand). Cytogenetic location: 16q24.3.
Variant type: Deletion.
Identifiers: ClinVar variation 3243426 (VCV003243426.1).